The following is an entry in ClinVar:

ClinVar aggregate classification (germline): Conflicting classifications of pathogenicity. Review status: criteria provided, conflicting classifications (1 of 4 stars). 11 submissions from 11 submitters: Uncertain significance (1); Benign (5); Likely benign (2). 3 of the submissions do not count toward it. Last evaluated 2026-07-01.

Conditions:
Autosomal recessive nonsyndromic hearing loss 77. Identifiers: Orphanet 90636, MedGen C2746083, MONDO:0013119, OMIM 613079.

Allele frequency attached by ClinVar (database versions not stated): gnomAD 0.00111; ESP Exome Variant Server 0.00153; TOPMed 0.00215; gnomAD exomes 0.00250 and 0.00399; 1000 Genomes Project 30x 0.00547; 1000 Genomes Project 0.00639; ExAC 0.00792.
gnomAD v4.1: 3,847 of 1,551,524 alleles (0.25%); highest among the groups gnomAD compares: South Asian, 1.6%; 30 homozygotes.

Submissions (11):

CeGaT Center for Human Genetics Tuebingen
Classification: Likely benign. Last evaluated: 2026-07-01. Review status: criteria provided, single submitter. Criteria: CeGaT Center For Human Genetics Tuebingen Variant Classification Criteria Version 2. Collection method: clinical testing. Allele origin: germline. Affected: yes. Observed: 13 variant alleles.
Comment: LOXHD1: BP4

Labcorp Genetics (formerly Invitae), Labcorp
Classification: Benign. Last evaluated: 2026-01-31. Review status: criteria provided, single submitter. Criteria: Invitae Variant Classification Sherloc (09022015). Collection method: clinical testing. Allele origin: germline.

Pars Genome Lab
Classification: Benign for Autosomal recessive nonsyndromic hearing loss 77. Last evaluated: 2021-05-18. Review status: criteria provided, single submitter. Criteria: ACMG Guidelines, 2015. Collection method: clinical testing. Allele origin: germline. Affected: no.

GeneDx
Classification: Benign. Last evaluated: 2018-05-04. Review status: criteria provided, single submitter. Criteria: GeneDx Variant Classification (06012015). Collection method: clinical testing. Allele origin: germline. Affected: yes.
Comment: This variant is considered likely benign or benign based on one or more of the following criteria: it is a conservative change, it occurs at a poorly conserved position in the protein, it is predicted to be benign by multiple in silico algorithms, and/or has population frequency not consistent with disease.

Eurofins Ntd Llc (ga)
Classification: Likely benign. Last evaluated: 2018-01-26. Review status: criteria provided, single submitter. Criteria: EGL Classification Definitions 2015. Collection method: clinical testing. Allele origin: germline. Observed: 1 variant allele, 1 heterozygote.

Illumina Laboratory Services, Illumina
Classification: Uncertain significance for Autosomal recessive nonsyndromic hearing loss 77. Last evaluated: 2018-01-13. Review status: criteria provided, single submitter. Criteria: ICSL Variant Classification Criteria 13 December 2019. Collection method: clinical testing. Allele origin: germline.

Laboratory for Molecular Medicine, Mass General Brigham Personalized Medicine
Classification: Benign. Last evaluated: 2015-01-20. Review status: criteria provided, single submitter. Criteria: LMM Criteria. Collection method: clinical testing. Allele origin: germline. Observed: 5 variant alleles.
Comment: p.Ala1406Val in exon 28 LOXHD1: This variant is not expected to have clinical si gnificance because it has been identified in 1.9% (148/7908) of South Asian chro mosomes with 5 homozygotes by the Exome Aggregation Consortium (ExAC; dbSNP rs146739496).

PreventionGenetics, part of Exact Sciences
Classification: Benign. Review status: criteria provided, single submitter. Criteria: ACMG Guidelines, 2015. Collection method: clinical testing. Allele origin: germline.

Natera, Inc.
Classification: Benign for Autosomal recessive deafness type 77. Last evaluated: 2020-01-09. Review status: no assertion criteria provided. Collection method: clinical testing. Allele origin: germline. Not counted in ClinVar's aggregate classification.

Counsyl
Classification: Likely benign for Autosomal recessive nonsyndromic hearing loss 77. Last evaluated: 2017-03-06. Review status: no assertion criteria provided. Collection method: clinical testing. Allele origin: unknown. Not counted in ClinVar's aggregate classification.

Baylor Genetics
Classification: Uncertain significance for Autosomal recessive nonsyndromic hearing loss 77. Last evaluated: 2016-01-29. Review status: no assertion criteria provided. Collection method: clinical testing. Allele origin: maternal, germline. Inheritance: Autosomal recessive inheritance. Affected: yes. Observed: 48 variant alleles, 46 heterozygotes, 1 compound heterozygote, 1 homozygote. Not counted in ClinVar's aggregate classification.
Comment: Heterozygotes for the LOXHD1 variants would not be expected to be affected.

Literature cited by the submitters: PubMed 26969326 (cited by Counsyl).

NM_001384474.1(LOXHD1):c.4217C>T (p.Ala1406Val)

Gene: LOXHD1 (lipoxygenase homology PLAT domains 1; minus strand). Cytogenetic location: 18q21.1.
Variant type: single nucleotide variant.
Coding change: c.4217C>T on transcript NM_001384474.1 (MANE Select); coding-DNA position 4217, C replaced by T.
Protein change: p.Ala1406Val; replaces alanine 1406 with valine.
Molecular consequence: missense variant.
Genome position (GRCh38, 1-based): chr18:46,533,320, G>A on the plus strand (C>T on the coding strand, the complement: LOXHD1 is on the minus strand). VCF-style: chr18-46533320-G-A. GRCh37 (hg19) VCF-style: chr18-44113283-G-A.
Other names: c.884C>T, p.Ala295Val (NM_001145472.3); c.596C>T, p.Ala199Val (NM_001308013.2); c.4217C>T, p.Ala1406Val (NM_144612.7); short protein forms A1406V, A199V, A295V.
Identifiers: ClinVar variation 178397 (VCV000178397.57), dbSNP rs146739496, ClinGen allele CA182248.